The following is an entry in ClinVar:

ClinVar aggregate classification (germline): Uncertain significance. Review status: criteria provided, multiple submitters, no conflicts (2 of 4 stars). 2 submissions from 2 submitters: Uncertain significance (2). Last evaluated 2025-11-17.

Allele frequency attached by ClinVar (database versions not stated): gnomAD exomes 0.00001 and 0.00002; ExAC 0.00002; gnomAD 0.00003; TOPMed 0.00003; ESP Exome Variant Server 0.00008.
gnomAD v4.1: 20 of 1,611,488 alleles (0.0012%); highest among the groups gnomAD compares: Admixed American, 0.017%; no homozygotes.

Submissions (2):

Labcorp Genetics (formerly Invitae), Labcorp
Classification: Uncertain significance. Last evaluated: 2025-11-17. Review status: criteria provided, single submitter. Criteria: Invitae Variant Classification Sherloc (09022015). Collection method: clinical testing. Allele origin: germline.
Comment: This sequence change replaces cysteine, which is neutral and slightly polar, with phenylalanine, which is neutral and non-polar, at codon 478 of the RINT1 protein (p.Cys478Phe). This variant is present in population databases (rs377454711, gnomAD 0.01%). This variant has not been reported in the literature in individuals affected with RINT1-related conditions. ClinVar contains an entry for this variant (Variation ID: 963608). An algorithm developed to predict the effect of missense changes on protein structure and function (PolyPhen-2) suggests that this variant is likely to be disruptive. In summary, the available evidence is currently insufficient to determine the role of this variant in disease. Therefore, it has been classified as a Variant of Uncertain Significance.

Ambry Genetics
Classification: Uncertain significance. Last evaluated: 2024-02-02. Review status: criteria provided, single submitter. Criteria: Ambry Variant Classification Scheme 2023. Collection method: clinical testing. Allele origin: germline.
Comment: The p.C478F variant (also known as c.1433G>T), located in coding exon 10 of the RINT1 gene, results from a G to T substitution at nucleotide position 1433. The cysteine at codon 478 is replaced by phenylalanine, an amino acid with highly dissimilar properties. This amino acid position is conserved. In addition, the in silico prediction for this alteration is inconclusive. Since supporting evidence is limited at this time, the clinical significance of this alteration remains unclear.

NM_021930.6(RINT1):c.1433G>T (p.Cys478Phe)

Gene: RINT1 (RAD50 interactor 1; plus strand). Cytogenetic location: 7q22.3.
Variant type: single nucleotide variant.
Coding change: c.1433G>T on transcript NM_021930.6 (MANE Select); coding-DNA position 1433, G replaced by T.
Protein change: p.Cys478Phe; replaces cysteine 478 with phenylalanine.
Molecular consequence: missense variant. On other transcripts: non-coding transcript variant (1).
Genome position (GRCh38, 1-based): chr7:105,551,669, G>T. VCF-style: chr7-105551669-G-T. GRCh37 (hg19) VCF-style: chr7-105192116-G-T.
Other names: c.1199G>T, p.Cys400Phe (NM_001346599.2); c.410G>T, p.Cys137Phe (NM_001346600.2, NM_001346603.2); c.509G>T, p.Cys170Phe (NM_001346601.2); short protein forms C137F, C478F, C170F, C400F.
Identifiers: ClinVar variation 963608 (VCV000963608.12), dbSNP rs377454711, ClinGen allele CA4426678.